The following is an entry in ClinVar:

ClinVar aggregate classification (germline): Pathogenic (1 of 4 stars; one submission).

Submission:

Labcorp Genetics (formerly Invitae), Labcorp
Classification: Pathogenic. Last evaluated: 2026-01-27. Review status: criteria provided, single submitter. Criteria: Invitae Variant Classification Sherloc (09022015). Collection method: clinical testing. Allele origin: germline.
Comment: This sequence change creates a premature translational stop signal (p.Asp107Glyfs*7) in the KIAA0753 gene. It is expected to result in an absent or disrupted protein product. Loss-of-function variants in KIAA0753 are known to be pathogenic (PMID: 29138412). This variant is not present in population databases (gnomAD no frequency). This variant has not been reported in the literature in individuals affected with KIAA0753-related conditions. For these reasons, this variant has been classified as Pathogenic.

Literature cited by the submitters: PubMed 29138412.

NM_014804.3(KIAA0753):c.320_321del (p.Asp107fs)

Gene: KIAA0753 (KIAA0753; minus strand). Cytogenetic location: 17p13.1.
Variant type: Deletion.
Coding change: c.320_321del on transcript NM_014804.3 (MANE Select); coding-DNA positions 320 to 321, 2 bases deleted (AT; older notation c.320_321delAT).
Protein change: p.Asp107fs; shifts the reading frame from aspartic acid 107.
Molecular consequence: frameshift variant. On other transcripts: 5 prime UTR variant (1), non-coding transcript variant (3).
Genome position (GRCh38, 1-based): chr17:6,628,514-6,628,515, AT deleted on the plus strand (AT on the coding strand, the reverse complement: KIAA0753 is on the minus strand). VCF-style (leftmost placement, unchanged base first): chr17-6628513-CAT-C. GRCh37 (hg19) VCF-style: chr17-6531833-CAT-C.
Other names: c.-915_-914del (NM_001351225.2); short protein forms D107fs.
Identifiers: ClinVar variation 4779251 (VCV004779251.1).
Genomic context (GRCh38, chr17:6,628,513, plus strand): 5'-TTTGAGGCTGACTTCTGAGATGATGTTCTTTTATATGTTTTTCAAATTGTCTTCGTTTCA[CAT>C]CTCTTCTGGCTAGGTGGACAGCATAGCTAAGTCTCTCTTGGGATATGACGGAAAATGAAA-3'